The following is an entry in ClinVar:

ClinVar aggregate classification (germline): Uncertain significance (1 of 4 stars; one submission).

Conditions:
Inborn genetic diseases. Identifiers: MedGen C0950123, MeSH D030342.

Submission:

Ambry Genetics
Classification: Uncertain significance for Inborn genetic diseases. Last evaluated: 2023-07-12. Review status: criteria provided, single submitter. Criteria: Ambry Variant Classification Scheme 2023. Collection method: clinical testing. Allele origin: germline.
Comment: The c.1211A>C (p.H404P) alteration is located in exon 10 (coding exon 9) of the PIK3R2 gene. This alteration results from an A to C substitution at nucleotide position 1211, causing the histidine (H) at amino acid position 404 to be replaced by a proline (P). This variant was not reported in population-based cohorts in the Genome Aggregation Database (gnomAD). This amino acid position is well conserved in available vertebrate species. The in silico prediction for this alteration is inconclusive. Based on insufficient or conflicting evidence, the clinical significance of this alteration remains unclear.

NM_005027.4(PIK3R2):c.1211A>C (p.His404Pro)

Gene: PIK3R2 (phosphoinositide-3-kinase regulatory subunit 2; plus strand). Cytogenetic location: 19p13.11.
Variant type: single nucleotide variant.
Coding change: c.1211A>C on transcript NM_005027.4 (MANE Select); coding-DNA position 1211, A replaced by C.
Protein change: p.His404Pro; replaces histidine 404 with proline.
Molecular consequence: missense variant. On other transcripts: non-coding transcript variant (2).
Genome position (GRCh38, 1-based): chr19:18,163,068, A>C. VCF-style: chr19-18163068-A-C. GRCh37 (hg19) VCF-style: chr19-18273878-A-C.
Other names: short protein forms H404P.
Identifiers: ClinVar variation 2603771 (VCV002603771.2), dbSNP rs2147953124, ClinGen allele CA404809572.